The following is an entry in ClinVar:

NM_005592.4(MUSK):c.964G>A (p.Gly322Arg)

Gene: MUSK (muscle associated receptor tyrosine kinase; plus strand). Cytogenetic location: 9q31.3.
Variant type: single nucleotide variant.
Coding change: c.964G>A on transcript NM_005592.4 (MANE Select); coding-DNA position 964, G replaced by A.
Protein change: p.Gly322Arg; replaces glycine 322 with arginine.
Molecular consequence: missense variant. On other transcripts: 5 prime UTR variant (1), intron variant (2).
Genome position (GRCh38, 1-based): chr9:110,767,863, G>A. VCF-style: chr9-110767863-G-A. GRCh37 (hg19) VCF-style: chr9-113530143-G-A.
Other names: c.-273G>A (NM_001369398.1); c.950+5655G>A (NM_001166280.2); c.920+5655G>A (NM_001166281.2); short protein forms G322R.
Identifiers: ClinVar variation 1509133 (VCV001509133.3), dbSNP rs1449532775, ClinGen allele CA374468697.

ClinVar aggregate classification (germline): Uncertain significance (1 of 4 stars; one submission).

Conditions:
Fetal akinesia deformation sequence 1 (FADS1). Also called: Pena-Shokeir syndrome type I; Fetal akinesia sequence. Identifiers: Orphanet 994, MedGen C1276035, MONDO:0100101, OMIM 208150, HP:0001989.
Congenital myasthenic syndrome 9. Also called: Myasthenic syndrome, congenital, 9, associated with acetylcholine receptor deficiency. Identifiers: Orphanet 590, MedGen C4225368, MONDO:0014587, OMIM 616325.

Allele frequency attached by ClinVar (database versions not stated): gnomAD exomes below 0.00001; TOPMed below 0.00001.
gnomAD v4.1: 6 of 1,613,990 alleles (0.00037%); highest among the groups gnomAD compares: Non-Finnish European, 0.00042%; no homozygotes.

Submission:

Labcorp Genetics (formerly Invitae), Labcorp
Classification: Uncertain significance for Congenital myasthenic syndrome 9; Fetal akinesia deformation sequence 1. Last evaluated: 2021-09-16. Review status: criteria provided, single submitter. Criteria: Invitae Variant Classification Sherloc (09022015). Collection method: clinical testing. Allele origin: germline.
Comment: This sequence change replaces glycine with arginine at codon 322 of the MUSK protein (p.Gly322Arg). The glycine residue is highly conserved and there is a moderate physicochemical difference between glycine and arginine. This variant is not present in population databases (ExAC no frequency). This variant has not been reported in the literature in individuals affected with MUSK-related conditions. Advanced modeling of protein sequence and biophysical properties (such as structural, functional, and spatial information, amino acid conservation, physicochemical variation, residue mobility, and thermodynamic stability) performed at Invitae indicates that this missense variant is expected to disrupt MUSK protein function. In summary, the available evidence is currently insufficient to determine the role of this variant in disease. Therefore, it has been classified as a Variant of Uncertain Significance.